The following is an entry in ClinVar:

ClinVar aggregate classification (germline): Pathogenic (1 of 4 stars; one submission).

Conditions:
Autosomal recessive limb-girdle muscular dystrophy type 2E (LGMDR4). Also called: MUSCULAR DYSTROPHY, LIMB-GIRDLE, AUTOSOMAL RECESSIVE 4. Identifiers: Orphanet 119, MedGen C1858593, MONDO:0011423, OMIM 604286. Disease mechanism: Affects gamma-sarcoglycan and also disrupts the integrity of the entire sarcoglycan complex..

Submission:

Myriad Genetics, Inc.
Classification: Pathogenic for Autosomal recessive limb-girdle muscular dystrophy type 2E. Last evaluated: 2026-03-05. Review status: criteria provided, single submitter. Criteria: Myriad Autosomal Dominant, Autosomal Recessive and X-Linked Classification Criteria (2023). Collection method: clinical testing. Allele origin: unknown.
Comment: NM_000232.4(SGCB):c.250_256del7(L84Ffs*4) is expected to be pathogenic in the context of beta-sarcoglycanopathy. This variant is predicted to lead to an abnormal or absent protein product due to the creation of a premature termination codon in SGCB, a gene where loss-of-function variants are known to be pathogenic. Please note: this variant was assessed in the context of healthy population screening.

NM_000232.5(SGCB):c.250_256del (p.Leu84fs)

Gene: SGCB (sarcoglycan beta; minus strand). Cytogenetic location: 4q12.
Variant type: Deletion.
Coding change: c.250_256del on transcript NM_000232.5 (MANE Select); coding-DNA positions 250 to 256, 7 bases deleted (CTTGTTA; older notation c.250_256delCTTGTTA).
Protein change: p.Leu84fs; shifts the reading frame from leucine 84.
Molecular consequence: frameshift variant. On other transcripts: 5 prime UTR variant (1).
Genome position (GRCh38, 1-based): chr4:52,029,851-52,029,857, TAACAAG deleted on the plus strand (CTTGTTA on the coding strand, the reverse complement: SGCB is on the minus strand); deleting any 7 consecutive bases within chr4:52,029,851-52,029,858 gives the same sequence; the c. name uses the placement nearest the transcript's 3' end. VCF-style (leftmost placement, unchanged base first): chr4-52029850-ATAACAAG-A. GRCh37 (hg19) VCF-style: chr4-52896016-ATAACAAG-A.
Other names: c.40_46del, p.Leu14fs (NM_001440519.1); c.-48_-42del (NM_001440520.1); short protein forms L14fs, L84fs.
Identifiers: ClinVar variation 5015642 (VCV005015642.1).